The following is an entry in ClinVar:

NM_001282531.3(ADNP):c.1383_1384del (p.Tyr461_Ser462delinsTer)

Gene: ADNP (activity dependent neuroprotector homeobox; minus strand). Cytogenetic location: 20q13.13.
Variant type: Microsatellite.
Coding change: c.1383_1384del on transcript NM_001282531.3 (MANE Select); coding-DNA positions 1383 to 1384, 2 bases deleted (TA; older notation c.1383_1384delTA).
Protein change: p.Tyr461_Ser462delinsTer.
Molecular consequence: nonsense.
Genome position (GRCh38, 1-based): chr20:50,893,330-50,893,331, TA deleted on the plus strand (TA on the coding strand, the reverse complement: ADNP is on the minus strand); deleting any 2 consecutive bases within chr20:50,893,330-50,893,333 gives the same sequence; the c. name uses the placement nearest the transcript's 3' end. VCF-style (leftmost placement, unchanged base first): chr20-50893329-CTA-C. GRCh37 (hg19) VCF-style: chr20-49509866-CTA-C.
Other names: c.1383_1384del, p.Tyr461_Ser462delinsTer (NM_001282532.2, NM_001347511.2, NM_015339.5 and 1 more transcripts); c.1599_1600del, p.Tyr533_Ser534delinsTer (NM_001439000.1); c.699_700del, p.Tyr233_Ser234delinsTer (NM_001439001.1).
Identifiers: ClinVar variation 4085619 (VCV004085619.8).

ClinVar aggregate classification (germline): Likely pathogenic (1 of 4 stars; one submission).

Submission:

CeGaT Center for Human Genetics Tuebingen
Classification: Likely pathogenic. Last evaluated: 2025-07-01. Review status: criteria provided, single submitter. Criteria: CeGaT Center For Human Genetics Tuebingen Variant Classification Criteria Version 2. Collection method: clinical testing. Allele origin: germline. Affected: yes. Observed: 1 variant allele.
Comment: ADNP: PVS1:Strong, PM2